The following is an entry in ClinVar:

NM_001162501.2(TNRC6B):c.4569G>C (p.Arg1523=)

Gene: TNRC6B (trinucleotide repeat containing adaptor 6B; plus strand). Cytogenetic location: 22q13.1.
Variant type: single nucleotide variant.
Coding change: c.4569G>C on transcript NM_001162501.2 (MANE Select); coding-DNA position 4569, G replaced by C.
Protein change: p.Arg1523=; no amino-acid change (arginine 1523 retained).
Molecular consequence: synonymous variant.
Genome position (GRCh38, 1-based): chr22:40,312,638, G>C. VCF-style: chr22-40312638-G-C. GRCh37 (hg19) VCF-style: chr22-40708642-G-C.
Other names: c.2157G>C, p.Arg719= (NM_001024843.2); c.4239G>C, p.Arg1413= (NM_015088.3).
Identifiers: ClinVar variation 3057116 (VCV003057116.2), dbSNP rs1326196737, ClinGen allele CA514610487.

ClinVar aggregate classification (germline): Likely benign (0 of 4 stars; one submission).

Conditions:
TNRC6B-related disorder. Also called: TNRC6B-related condition.

Allele frequency attached by ClinVar (database versions not stated): gnomAD exomes below 0.00001.
gnomAD v4.1: 6 of 1,611,572 alleles (0.00037%); highest among the groups gnomAD compares: Admixed American, 0.0017%; no homozygotes.

Submission:

PreventionGenetics, part of Exact Sciences
Classification: Likely benign for TNRC6B-related condition. Last evaluated: 2021-11-03. Review status: no assertion criteria provided. Collection method: clinical testing. Allele origin: germline.
Comment: This variant is classified as likely benign based on ACMG/AMP sequence variant interpretation guidelines (Richards et al. 2015 PMID: 25741868, with internal and published modifications).